The following is an entry in ClinVar:

ClinVar aggregate classification (germline): Uncertain significance (1 of 4 stars; one submission).

Conditions:
Gorlin syndrome. Also called: Nevoid Basal Cell Carcinoma Syndrome; Basal cell nevus syndrome. Identifiers: Orphanet 377, MedGen C0004779, MONDO:0007187.

Submission:

Labcorp Genetics (formerly Invitae), Labcorp
Classification: Uncertain significance for Gorlin syndrome. Last evaluated: 2025-03-03. Review status: criteria provided, single submitter. Criteria: Invitae Variant Classification Sherloc (09022015). Collection method: clinical testing. Allele origin: germline.
Comment: This variant, c.1063_1065del, results in the deletion of 1 amino acid(s) of the PTCH1 protein (p.Val355del), but otherwise preserves the integrity of the reading frame. This variant is not present in population databases (gnomAD no frequency). This variant has not been reported in the literature in individuals affected with PTCH1-related conditions. Experimental studies and prediction algorithms are not available or were not evaluated, and the functional significance of this variant is currently unknown. In summary, the available evidence is currently insufficient to determine the role of this variant in disease. Therefore, it has been classified as a Variant of Uncertain Significance.

NM_000264.5(PTCH1):c.1063_1065del (p.Val355del)

Gene: PTCH1 (patched 1; minus strand). Cytogenetic location: 9q22.32.
Variant type: Deletion.
Coding change: c.1063_1065del on transcript NM_000264.5 (MANE Select); coding-DNA positions 1063 to 1065, 3 bases deleted (GTC; older notation c.1063_1065delGTC).
Protein change: p.Val355del; deletes valine 355.
Molecular consequence: inframe deletion. On other transcripts: non-coding transcript variant (1).
Genome position (GRCh38, 1-based): chr9:95,479,971-95,479,973, GAC deleted on the plus strand (GTC on the coding strand, the reverse complement: PTCH1 is on the minus strand); deleting any 3 consecutive bases within chr9:95,479,971-95,479,975 gives the same sequence; the c. name uses the placement nearest the transcript's 3' end. VCF-style (leftmost placement, unchanged base first): chr9-95479970-TGAC-T. GRCh37 (hg19) VCF-style: chr9-98242252-TGAC-T.
Other names: c.865_867del, p.Val289del (NM_001083602.3); c.1060_1062del, p.Val354del (NM_001083603.3); c.610_612del, p.Val204del (NM_001083604.3, NM_001083605.3, NM_001083606.3 and 1 more transcripts); c.1063_1065del, p.Val355del (NM_001354918.2); short protein forms V204del, V354del, V355del, V289del.
Identifiers: ClinVar variation 4714207 (VCV004714207.1).